The following is an entry in ClinVar:

ClinVar aggregate classification (germline): Likely benign (1 of 4 stars; one submission).

Submission:

CeGaT Center for Human Genetics Tuebingen
Classification: Likely benign. Last evaluated: 2026-05-01. Review status: criteria provided, single submitter. Criteria: CeGaT Center For Human Genetics Tuebingen Variant Classification Criteria Version 2. Collection method: clinical testing. Allele origin: germline. Affected: yes. Observed: 2 variant alleles.
Comment: TAF4: BS1

NM_003185.4(TAF4):c.546_557del (p.172PG[6])

Gene: TAF4 (TATA-box binding protein associated factor 4; minus strand). Cytogenetic location: 20q13.33.
Variant type: Deletion.
Coding change: c.546_557del on transcript NM_003185.4 (MANE Select); coding-DNA positions 546 to 557, 12 bases deleted (CGGCCCTGGCCC).
Protein change: p.172PG[6].
Molecular consequence: inframe deletion.
Genome position (GRCh38, 1-based): chr20:62,065,254-62,065,265, GGGCCAGGGCCG deleted on the plus strand (CGGCCCTGGCCC on the coding strand, the reverse complement: TAF4 is on the minus strand); deleting any 12 consecutive bases within chr20:62,065,254-62,065,270 gives the same sequence; the c. name uses the placement nearest the transcript's 3' end. VCF-style (leftmost placement, unchanged base first): chr20-62065253-AGGGCCAGGGCCG-A. GRCh37 (hg19) VCF-style: chr20-60640309-AGGGCCAGGGCCG-A.
Identifiers: ClinVar variation 3898267 (VCV003898267.7).